The following is an entry in ClinVar:

NM_018723.4(RBFOX1):c.1050C>A (p.Pro350=)

Genes: RBFOX1 (RNA binding fox-1 homolog 1; plus strand), LOC126862279 (MED14-independent group 3 enhancer GRCh37_chr16:7758954-7760153; plus strand). Cytogenetic location: 16p13.3.
Variant type: single nucleotide variant.
Coding change: c.1050C>A on transcript NM_018723.4 (MANE Select); coding-DNA position 1050, C replaced by A.
Protein change: p.Pro350=; no amino-acid change (proline 350 retained).
Molecular consequence: synonymous variant. On other transcripts: missense variant (2).
Genome position (GRCh38, 1-based): chr16:7,709,110, C>A. VCF-style: chr16-7709110-C-A. GRCh37 (hg19) VCF-style: chr16-7759112-C-A.
Other names: c.1113C>A (NM_145891.2); c.969C>A, p.Pro323= (NM_001142333.2); c.1050C>A, p.Pro350= (NM_001142334.2); c.1179C>A, p.Pro393= (NM_001308117.1); c.1103C>A, p.Pro368Gln (NM_001364800.2); c.1113C>A, p.Pro371= (NM_145891.3, NM_145892.3); c.1166C>A, p.Pro389Gln (NM_145893.3); c.1103C>A (NM_001364800.1); short protein forms P368Q, P389Q.
Identifiers: ClinVar variation 1154259 (VCV001154259.12), dbSNP rs141919506, ClinGen allele CA7891963.

ClinVar aggregate classification (germline): Conflicting classifications of pathogenicity. Review status: criteria provided, conflicting classifications (1 of 4 stars). 5 submissions from 5 submitters: Uncertain significance (1); Likely benign (2). 2 of the submissions do not count toward it. Last evaluated 2025-08-27.

Conditions:
RBFOX1-related disorder. Also called: RBFOX1-related condition.
Inborn genetic diseases. Identifiers: MedGen C0950123, MeSH D030342.
Idiopathic generalized epilepsy. Also called: EIG; Generalised epilepsy. Identifiers: MedGen C0270850, MONDO:0005579, OMIM 600669.

Allele frequency attached by ClinVar (database versions not stated): ExAC 0.00003; TOPMed 0.00003; gnomAD exomes 0.00005; gnomAD 0.00006; ESP Exome Variant Server 0.00008.
gnomAD v4.1: 65 of 1,613,674 alleles (0.004%); highest among the groups gnomAD compares: Non-Finnish European, 0.0049%; no homozygotes.

Submissions (5):

Ambry Genetics
Classification: Likely benign for Inborn genetic diseases. Last evaluated: 2025-08-27. Review status: criteria provided, single submitter. Criteria: Ambry Variant Classification Scheme 2023. Collection method: clinical testing. Allele origin: germline.

Labcorp Genetics (formerly Invitae), Labcorp
Classification: Likely benign for Idiopathic generalized epilepsy. Last evaluated: 2023-06-05. Review status: criteria provided, single submitter. Criteria: Invitae Variant Classification Sherloc (09022015). Collection method: clinical testing. Allele origin: germline.

PreventionGenetics, part of Exact Sciences
Classification: Uncertain significance for RBFOX1-related condition. Last evaluated: 2022-10-20. Review status: criteria provided, single submitter. Criteria: ACMG Guidelines, 2015. Collection method: clinical testing. Allele origin: germline.
Comment: The RBFOX1 c.1103C>A variant is predicted to result in the amino acid substitution p.Pro368Gln. To our knowledge, this variant has not been reported in the literature. This variant is reported in 0.0093% of alleles in individuals of European (Non-Finnish) descent in gnomAD. At this time, the clinical significance of this variant is uncertain due to the absence of conclusive functional and genetic evidence.

Clinical Genetics DNA and cytogenetics Diagnostics Lab, Erasmus MC, Erasmus Medical Center
Classification: Likely benign. Review status: no assertion criteria provided. Collection method: clinical testing. Allele origin: germline. Affected: yes. Study: VKGL Data-share Consensus. Not counted in ClinVar's aggregate classification.

Laboratory of Diagnostic Genome Analysis, Leiden University Medical Center (LUMC)
Classification: Likely benign. Review status: no assertion criteria provided. Collection method: clinical testing. Allele origin: germline. Affected: yes. Study: VKGL Data-share Consensus. Not counted in ClinVar's aggregate classification.